The following is an entry in ClinVar:

NM_198578.4(LRRK2):c.1562G>T (p.Arg521Met)

Gene: LRRK2 (leucine rich repeat kinase 2; plus strand). Cytogenetic location: 12q12.
Variant type: single nucleotide variant.
Coding change: c.1562G>T on transcript NM_198578.4 (MANE Select); coding-DNA position 1562, G replaced by T.
Protein change: p.Arg521Met; replaces arginine 521 with methionine.
Molecular consequence: missense variant.
Genome position (GRCh38, 1-based): chr12:40,263,807, G>T. VCF-style: chr12-40263807-G-T. GRCh37 (hg19) VCF-style: chr12-40657609-G-T.
Other names: short protein forms R521M.
Identifiers: ClinVar variation 1775298 (VCV001775298.2), dbSNP rs2499571856, ClinGen allele CA384398749.

ClinVar aggregate classification (germline): Uncertain significance (1 of 4 stars; one submission).

Conditions:
Inborn genetic diseases. Identifiers: MedGen C0950123, MeSH D030342.

Submission:

Ambry Genetics
Classification: Uncertain significance for Inborn genetic diseases. Last evaluated: 2022-04-22. Review status: criteria provided, single submitter. Criteria: Ambry Variant Classification Scheme 2023. Collection method: clinical testing. Allele origin: germline.
Comment: The p.R521M variant (also known as c.1562G>T), located in coding exon 14 of the LRRK2 gene, results from a G to T substitution at nucleotide position 1562. The arginine at codon 521 is replaced by methionine, an amino acid with similar properties. This amino acid position is conserved. In addition, this alteration is predicted to be tolerated by in silico analysis. Since supporting evidence is limited at this time, the clinical significance of this alteration remains unclear.